The following is an entry in ClinVar:

NM_001267550.2(TTN):c.32887+3A>G

Gene: TTN (titin; minus strand). Cytogenetic location: 2q31.2.
Variant type: single nucleotide variant.
Coding change: c.32887+3A>G on transcript NM_001267550.2 (MANE Select); 3 bases into the intron after coding-DNA position 32887, A replaced by G.
Molecular consequence: intron variant.
Genome position (GRCh38, 1-based): chr2:178,683,208, T>C on the plus strand (A>G on the coding strand, the complement: TTN is on the minus strand). VCF-style: chr2-178683208-T-C. GRCh37 (hg19) VCF-style: chr2-179547935-T-C.
Other names: c.13283-40891A>G (NM_003319.4); c.13859-40891A>G (NM_133437.4); c.13658-40891A>G (NM_133432.3); c.29155+3A>G (NM_133378.4); c.31936+3A>G (NM_001256850.1).
Identifiers: ClinVar variation 861333 (VCV000861333.10), dbSNP rs796176592, ClinGen allele CA60984776.
Genomic context (GRCh38, chr2:178,683,208, plus strand): 5'-AACTAGAAGGCAAAGAGCCAGATAGTTTCATGCCTCACATTACTTAATCAAAGTTCAATA[T>C]ACCTTTGATGGGTTGAGGTTCTCTTTTTGGAGCTTCAATTGATACTTTTTCTTCTTTAAC-3'

ClinVar aggregate classification (germline): Uncertain significance (1 of 4 stars; one submission).

Conditions:
Dilated cardiomyopathy 1G (CMD1G). Identifiers: Orphanet 154, MedGen C1858763, MONDO:0011400, OMIM 604145.
Autosomal recessive limb-girdle muscular dystrophy type 2J (LGMDR10). Also called: Limb-girdle muscular dystrophy, type 2J; MUSCULAR DYSTROPHY, LIMB-GIRDLE, AUTOSOMAL RECESSIVE 10. Identifiers: Orphanet 140922, MedGen C1837342, MONDO:0012127, OMIM 608807.

Allele frequency attached by ClinVar (database versions not stated): gnomAD exomes below 0.00001; TOPMed below 0.00001; gnomAD 0.00001.
gnomAD v4.1: 5 of 1,537,322 alleles (0.00033%); highest among the groups gnomAD compares: South Asian, 0.0024%; no homozygotes.

Submission:

Labcorp Genetics (formerly Invitae), Labcorp
Classification: Uncertain significance for Dilated cardiomyopathy 1G; Autosomal recessive limb-girdle muscular dystrophy type 2J. Last evaluated: 2023-08-03. Review status: criteria provided, single submitter. Criteria: Invitae Variant Classification Sherloc (09022015). Collection method: clinical testing. Allele origin: germline.
Comment: ClinVar contains an entry for this variant (Variation ID: 861333). This sequence change falls in intron 134 of the TTN gene. It does not directly change the encoded amino acid sequence of the TTN protein. It affects a nucleotide within the consensus splice site. This variant is not present in population databases (gnomAD no frequency). This variant has not been reported in the literature in individuals affected with TTN-related conditions. Variants that disrupt the consensus splice site are a relatively common cause of aberrant splicing (PMID: 17576681, 9536098). Algorithms developed to predict the effect of sequence changes on RNA splicing suggest that this variant may disrupt the consensus splice site. This variant is located in the I band of TTN (PMID: 25589632). Variants in this region may be clinically relevant, but have not been definitively shown to cause cardiomyopathy or neuromuscular disease (PMID: 27493940, 32778822). In summary, the available evidence is currently insufficient to determine the role of this variant in disease. Therefore, it has been classified as a Variant of Uncertain Significance.

Literature cited by the submitters: PubMed 17576681; PubMed 9536098; PubMed 25589632; PubMed 27493940; PubMed 32778822.